The following is an entry in ClinVar:

ClinVar aggregate classification (germline): Pathogenic/Likely pathogenic. Review status: criteria provided, multiple submitters, no conflicts (2 of 4 stars). 2 submissions from 2 submitters: Pathogenic (1); Likely pathogenic (1). Last evaluated 2023-12-11.

Conditions:
IMPG2-related recessive retinopathy. Identifiers: MedGen CN375916, MONDO:0700241.

Submissions (2):

Labcorp Genetics (formerly Invitae), Labcorp
Classification: Pathogenic. Last evaluated: 2023-12-11. Review status: criteria provided, single submitter. Criteria: Invitae Variant Classification Sherloc (09022015). Collection method: clinical testing. Allele origin: germline.
Comment: This sequence change creates a premature translational stop signal (p.Leu15*) in the IMPG2 gene. It is expected to result in an absent or disrupted protein product. Loss-of-function variants in IMPG2 are known to be pathogenic (PMID: 20673862). This variant is not present in population databases (gnomAD no frequency). This variant has not been reported in the literature in individuals affected with IMPG2-related conditions. ClinVar contains an entry for this variant (Variation ID: 2017710). For these reasons, this variant has been classified as Pathogenic.

Department of Pathology and Laboratory Medicine, Sinai Health System
Classification: Likely pathogenic for IMPG2-related recessive retinopathy. Last evaluated: 2022-09-15. Review status: criteria provided, single submitter. Criteria: ACMG Guidelines, 2015. Collection method: research. Allele origin: germline.

Literature cited by the submitters: PubMed 20673862 (cited by Labcorp Genetics (formerly Invitae), Labcorp).

NM_016247.4(IMPG2):c.44del (p.Ile14_Leu15insTer)

Gene: IMPG2 (interphotoreceptor matrix proteoglycan 2; minus strand). Cytogenetic location: 3q12.3.
Variant type: Deletion.
Coding change: c.44del on transcript NM_016247.4 (MANE Select); coding-DNA position 44, one base deleted (T; older notation c.44delT).
Protein change: p.Ile14_Leu15insTer.
Molecular consequence: nonsense.
Genome position (GRCh38, 1-based): chr3:101,320,329, A deleted on the plus strand (T on the coding strand, the reverse complement: IMPG2 is on the minus strand); the first of 4 consecutive A bases (chr3:101,320,329-101,320,332); deleting any one gives the same sequence. VCF-style (leftmost placement, unchanged base first): chr3-101320328-CA-C. GRCh37 (hg19) VCF-style: chr3-101039172-CA-C.
Identifiers: ClinVar variation 2017710 (VCV002017710.5), dbSNP rs2509063453, ClinGen allele CA2580068558.